The following is an entry in ClinVar:

ClinVar aggregate classification (germline): Benign. Review status: criteria provided, multiple submitters, no conflicts (2 of 4 stars). 10 submissions from 10 submitters: Benign (8). 2 of the submissions do not count toward it. Last evaluated 2026-07-01.

Conditions:
Glycogen storage disease, type II (IOPD). Also called: POMPE DISEASE, INFANTILE-ONSET; GLYCOGEN STORAGE DISEASE II, INFANTILE-ONSET; ACID ALPHA-GLUCOSIDASE DEFICIENCY, INFANTILE-ONSET; GAA DEFICIENCY, INFANTILE-ONSET; ACID MALTASE DEFICIENCY, INFANTILE-ONSET; Glucosidase acid-1,4-alpha deficiency. Identifiers: Orphanet 365, MedGen C0017921, MONDO:0009290, OMIM 232300.

Allele frequency attached by ClinVar (database versions not stated): gnomAD 0.05534; ESP Exome Variant Server 0.05567; TOPMed 0.06002; 1000 Genomes Project 0.10144; 1000 Genomes Project 30x 0.10290.

Submissions (10):

Genomenon, Inc
Classification: Benign for Glycogen storage disease, type II. Last evaluated: 2026-07-01. Review status: criteria provided, single submitter. Criteria: Genomenon Sequence Variant Interpretation Standards - Updated. Collection method: curation. Allele origin: germline. Affected: no.
Comment: GAA c.*3G>A is a variant located in the 3′ untranslated region (3′ UTR). This variant is present at high allele frequency in population databases. We classify GAA c.*3G>A as a benign variant.

Blueprint Genetics
Classification: Benign. Last evaluated: 2024-11-27. Review status: criteria provided, single submitter. Criteria: ACMG Guidelines, 2015. Collection method: clinical testing. Allele origin: germline.

Illumina Laboratory Services, Illumina
Classification: Benign for Glycogen storage disease, type II. Last evaluated: 2018-01-12. Review status: criteria provided, single submitter. Criteria: ICSL Variant Classification Criteria 13 December 2019. Collection method: clinical testing. Allele origin: germline.
Comment: This variant was observed in the ICSL laboratory as part of a predisposition screen in an ostensibly healthy population. It had not been previously curated by ICSL or reported in the Human Gene Mutation Database (HGMD: prior to June 1st, 2018), and was therefore a candidate for classification through an automated scoring system. Utilizing variant allele frequency, disease prevalence and penetrance estimates, and inheritance mode, an automated score was calculated to assess if this variant is too frequent to cause the disease. Based on the score and internal cut-off values, a variant classified as benign is not then subjected to further curation. The score for this variant resulted in a classification of benign for this disease.

Phosphorus, Inc.
Classification: Benign for Glycogen storage disease, type II. Last evaluated: 2017-08-01. Review status: criteria provided, single submitter. Criteria: ACMG Guidelines, 2015. Collection method: clinical testing. Allele origin: germline. Observed: 2 variant alleles.

GeneDx
Classification: Benign. Last evaluated: 2015-03-03. Review status: criteria provided, single submitter. Criteria: GeneDx Variant Classification Process June 2021. Collection method: clinical testing. Allele origin: germline. Affected: yes.

Eurofins Ntd Llc (ga)
Classification: Benign. Last evaluated: 2013-08-13. Review status: criteria provided, single submitter. Criteria: EGL Classification Definitions 2015. Collection method: clinical testing. Allele origin: germline. Observed: 9 variant alleles, 8 heterozygotes, 1 homozygote.

Breakthrough Genomics
Classification: Benign. Review status: criteria provided, single submitter. Criteria: ACMG Guidelines, 2015. Collection method: not provided. Allele origin: germline. Inheritance: Autosomal recessive inheritance. Affected: yes.

PreventionGenetics, part of Exact Sciences
Classification: Benign. Review status: criteria provided, single submitter. Criteria: ACMG Guidelines, 2015. Collection method: clinical testing. Allele origin: germline.

Natera, Inc.
Classification: Benign for Glycogen storage disease type II. Last evaluated: 2019-11-22. Review status: no assertion criteria provided. Collection method: clinical testing. Allele origin: germline. Not counted in ClinVar's aggregate classification.

Mayo Clinic Laboratories, Mayo Clinic
Classification: Benign. Last evaluated: 2017-05-17. Review status: no assertion criteria provided. Collection method: clinical testing. Allele origin: unknown. Not counted in ClinVar's aggregate classification.

Literature cited by the submitters: PubMed 23757202 (cited by Phosphorus, Inc.).

NM_000152.5(GAA):c.*3G>A

Gene: GAA (alpha glucosidase; plus strand). Cytogenetic location: 17q25.3.
Variant type: single nucleotide variant.
Coding change: c.*3G>A on transcript NM_000152.5 (MANE Select); 3 bases downstream of the stop codon, G replaced by A.
Molecular consequence: 3 prime UTR variant.
Genome position (GRCh38, 1-based): chr17:80,119,334, G>A. VCF-style: chr17-80119334-G-A. GRCh37 (hg19) VCF-style: chr17-78093133-G-A.
Other names: c.*3G>A (LRG_673t1, NM_001079803.3, NM_001079804.3).
Identifiers: ClinVar variation 92459 (VCV000092459.18), dbSNP rs1800317, ClinGen allele CA145747.
Genomic context (GRCh38, chr17:80,119,334, plus strand): 5'-CCTGGACATCTGTGTCTCGCTGTTGATGGGAGAGCAGTTTCTCGTCAGCTGGTGTTAGCC[G>A]GGCGGAGTGTGTTAGTCTCTCCAGAGGGAGGCTGGTTCCCCAGGGAAGCAGAGCCTGTGT-3'